The following is an entry in ClinVar:

ClinVar aggregate classification (germline): Uncertain significance (1 of 4 stars; one submission).

Submission:

GeneDx
Classification: Uncertain significance. Last evaluated: 2025-06-03. Review status: criteria provided, single submitter. Criteria: GeneDx Variant Classification Process June 2021. Collection method: clinical testing. Allele origin: germline. Affected: yes.
Comment: Not observed at significant frequency in large population cohorts (gnomAD); In silico analysis supports that this missense variant has a deleterious effect on protein structure/function; Has not been previously published as pathogenic or benign to our knowledge

NM_017934.7(PHIP):c.3310A>T (p.Asn1104Tyr)

Genes: IRAK1BP1 (interleukin 1 receptor associated kinase 1 binding protein 1; plus strand), PHIP (PHIP subunit of CUL4-Ring ligase complex; minus strand). Cytogenetic location: 6q14.1.
Variant type: single nucleotide variant.
Coding change: c.3310A>T on transcript NM_017934.7 (MANE Select); coding-DNA position 3310, A replaced by T.
Protein change: p.Asn1104Tyr; replaces asparagine 1104 with tyrosine.
Molecular consequence: missense variant.
Genome position (GRCh38, 1-based): chr6:78,965,952, T>A on the plus strand (A>T on the coding strand, the complement: PHIP is on the minus strand). VCF-style: chr6-78965952-T-A. GRCh37 (hg19) VCF-style: chr6-79675669-T-A.
Other names: short protein forms N1104Y.
Identifiers: ClinVar variation 4536382 (VCV004536382.1).